The following is an entry in ClinVar:

NM_201384.3(PLEC):c.7441C>G (p.Gln2481Glu)

Gene: PLEC (plectin; minus strand). Cytogenetic location: 8q24.3.
Variant type: single nucleotide variant.
Coding change: c.7441C>G on transcript NM_201384.3 (MANE Select); coding-DNA position 7441, C replaced by G.
Protein change: p.Gln2481Glu; replaces glutamine 2481 with glutamic acid.
Molecular consequence: missense variant.
Genome position (GRCh38, 1-based): chr8:143,922,380, G>C on the plus strand (C>G on the coding strand, the complement: PLEC is on the minus strand). VCF-style: chr8-143922380-G-C. GRCh37 (hg19) VCF-style: chr8-144996548-G-C.
Other names: c.7522C>G, p.Gln2508Glu (NM_000445.5); c.7399C>G, p.Gln2467Glu (NM_201378.4); c.7375C>G, p.Gln2459Glu (NM_201379.3); c.7852C>G, p.Gln2618Glu (NM_201380.4); c.7345C>G, p.Gln2449Glu (NM_201381.3); c.7441C>G, p.Gln2481Glu (NM_201382.4); c.7453C>G, p.Gln2485Glu (NM_201383.3); short protein forms Q2449E, Q2459E, Q2467E, Q2481E, Q2485E, Q2508E, Q2618E.
Identifiers: ClinVar variation 386124 (VCV000386124.12), dbSNP rs782016209, ClinGen allele CA4925615.
Genomic context (GRCh38, chr8:143,922,380, plus strand): 5'-TGTCCTTTTCAGAGAGGAAGCTTTGCTGCAGGGCCTGCGTCTCCTGCAGCAGCTGCTCCT[G>C]CTGCACCGTCTGCATCTGCAGAAGAAGAGGGTGTGATCAGGGACCGCCAGCCCAGGAGCA-3'
Protein context (NP_958786.1, residues 2471-2491): LKSEEMQTVQ[Gln2481Glu]EQLLQETQAL

ClinVar aggregate classification (germline): Conflicting classifications of pathogenicity. Review status: criteria provided, conflicting classifications (1 of 4 stars). 5 submissions from 5 submitters: Uncertain significance (4); Likely benign (1). Last evaluated 2026-06-04.

Conditions:
PLEC-related disorder. Also called: PLEC-related disorders; PLEC-related condition.
Autosomal recessive limb-girdle muscular dystrophy type 2Q (LGMDR17). Also called: MUSCULAR DYSTROPHY, LIMB-GIRDLE, AUTOSOMAL RECESSIVE 17. Identifiers: Orphanet 254361, MedGen C3150989, MONDO:0013390, OMIM 613723.
Epidermolysis bullosa simplex 5B, with muscular dystrophy (EBS5B). Also called: EPIDERMOLYSIS BULLOSA SIMPLEX AND LIMB-GIRDLE MUSCULAR DYSTROPHY; Epidermolysis bullosa simplex with muscular dystrophy. Identifiers: Orphanet 257, MedGen C2931072, MONDO:0009181, OMIM 226670.
Epidermolysis bullosa simplex with nail dystrophy (EBS5D). Identifiers: MedGen C4225309, MONDO:0014661, OMIM 616487.
Epidermolysis bullosa simplex, Ogna type (EBS5A). Also called: Pidermolysis bullosa simplex 5A, Ogna type; EPIDERMOLYSIS BULLOSA SIMPLEX 5A, OGNA TYPE. Identifiers: Orphanet 79401, MedGen C0432317, MONDO:0007555, OMIM 131950.
Epidermolysis bullosa simplex 5C, with pyloric atresia (EBS5C). Also called: PLEC1-Related Epidermolysis Bullosa with Pyloric Atresia; PLEC-Related Epidermolysis Bullosa with Pyloric Atresia; Epidermolysis bullosa simplex with pyloric atresia. Identifiers: Orphanet 158684, MedGen C2677349, MONDO:0012807, OMIM 612138.
Inborn genetic diseases. Identifiers: MedGen C0950123, MeSH D030342.

Allele frequency attached by ClinVar (database versions not stated): gnomAD exomes 0.00004 and 0.00007; TOPMed 0.00004; gnomAD 0.00005 and 0.00006; ExAC 0.00006.
gnomAD v4.1: 71 of 1,602,398 alleles (0.0044%); highest among the groups gnomAD compares: Non-Finnish European, 0.0029%; no homozygotes.

Submissions (5):

PreventionGenetics, part of Exact Sciences
Classification: Uncertain significance for PLEC-related condition. Last evaluated: 2026-06-04. Review status: criteria provided, single submitter. Criteria: ACMG Guidelines, 2015. Collection method: clinical testing. Allele origin: germline.
Comment: The PLEC c.7522C>G variant is predicted to result in the amino acid substitution p.Gln2508Glu. To our knowledge, this variant has not been reported in the literature. This variant is reported in 0.078% of alleles in individuals of Ashkenazi Jewish descent in gnomAD. Although we suspect that this variant may be benign, at this time, the clinical significance of this variant is uncertain due to the absence of conclusive functional and genetic evidence.

Ambry Genetics
Classification: Uncertain significance for Inborn genetic diseases. Last evaluated: 2025-10-23. Review status: criteria provided, single submitter. Criteria: Ambry Variant Classification Scheme 2023. Collection method: clinical testing. Allele origin: germline.

Labcorp Genetics (formerly Invitae), Labcorp
Classification: Uncertain significance for Autosomal recessive limb-girdle muscular dystrophy type 2Q; Epidermolysis bullosa simplex, Ogna type; Epidermolysis bullosa simplex with nail dystrophy; Epidermolysis bullosa simplex 5C, with pyloric atresia; Epidermolysis bullosa simplex 5B, with muscular dystrophy. Last evaluated: 2025-08-25. Review status: criteria provided, single submitter. Criteria: Invitae Variant Classification Sherloc (09022015). Collection method: clinical testing. Allele origin: germline.
Comment: This sequence change replaces glutamine, which is neutral and polar, with glutamic acid, which is acidic and polar, at codon 2508 of the PLEC protein (p.Gln2508Glu). This variant is present in population databases (rs782016209, gnomAD 0.08%). This variant has not been reported in the literature in individuals affected with PLEC-related conditions. ClinVar contains an entry for this variant (Variation ID: 386124). Invitae Evidence Modeling of protein sequence and biophysical properties (such as structural, functional, and spatial information, amino acid conservation, physicochemical variation, residue mobility, and thermodynamic stability) indicates that this missense variant is not expected to disrupt PLEC protein function with a negative predictive value of 80%. In summary, the available evidence is currently insufficient to determine the role of this variant in disease. Therefore, it has been classified as a Variant of Uncertain Significance.

Revvity Omics, Revvity
Classification: Uncertain significance. Last evaluated: 2025-06-18. Review status: criteria provided, single submitter. Criteria: ACMG Guidelines, 2015. Collection method: clinical testing. Allele origin: germline.

GeneDx
Classification: Likely benign. Last evaluated: 2018-04-06. Review status: criteria provided, single submitter. Criteria: GeneDx Variant Classification Process June 2021. Collection method: clinical testing. Allele origin: germline. Affected: yes.